The following is an entry in ClinVar:

NM_025114.4(CEP290):c.4707G>A (p.Glu1569=)

Gene: CEP290 (centrosomal protein 290; minus strand). Cytogenetic location: 12q21.32.
Variant type: single nucleotide variant.
Coding change: c.4707G>A on transcript NM_025114.4 (MANE Select); coding-DNA position 4707, G replaced by A.
Protein change: p.Glu1569=; no amino-acid change (glutamic acid 1569 retained).
Molecular consequence: synonymous variant.
Genome position (GRCh38, 1-based): chr12:88,083,952, C>T on the plus strand (G>A on the coding strand, the complement: CEP290 is on the minus strand). VCF-style: chr12-88083952-C-T. GRCh37 (hg19) VCF-style: chr12-88477729-C-T.
Other names: c.4707G>A (NM_025114.3).
Identifiers: ClinVar variation 1578801 (VCV001578801.10), dbSNP rs376242512, ClinGen allele CA6711874.

ClinVar aggregate classification (germline): Benign/Likely benign. Review status: criteria provided, multiple submitters, no conflicts (2 of 4 stars). 3 submissions from 3 submitters: Benign (1); Likely benign (2). Last evaluated 2025-12-02.

Conditions:
CEP290-related disorder. Also called: CEP290-related disorders; CEP290-related condition. Identifiers: MedGen CN239314.
Joubert syndrome. Also called: Familial aplasia of the vermis; JOUBERT-BOLTSHAUSER SYNDROME. Identifiers: Orphanet 475, MedGen C5979921, MONDO:0018772.
Meckel-Gruber syndrome. Also called: Dysencephalia splachnocystica; DYSENCEPHALIA SPLANCHNOCYSTICA; GRUBER SYNDROME. Identifiers: Orphanet 564, MedGen C0265215, MONDO:0018921.
Nephronophthisis. Also called: Juvenile Nephronophthisis. Identifiers: Orphanet 655, MedGen C0687120, MONDO:0019005, HP:0000090.

Allele frequency attached by ClinVar (database versions not stated): ExAC 0.00002; gnomAD 0.00002 and 0.00003; TOPMed 0.00004; ESP Exome Variant Server 0.00017.

Submissions (3):

PreventionGenetics, part of Exact Sciences
Classification: Likely benign for CEP290-related condition. Last evaluated: 2025-12-02. Review status: criteria provided, single submitter. Criteria: ACMG Guidelines, 2015. Collection method: clinical testing. Allele origin: germline.
Comment: This variant is classified as likely benign based on ACMG/AMP sequence variant interpretation guidelines (Richards et al. 2015 PMID: 25741868, with internal and published modifications).

Labcorp Genetics (formerly Invitae), Labcorp
Classification: Likely benign for Joubert syndrome; Meckel-Gruber syndrome; Nephronophthisis. Last evaluated: 2025-07-23. Review status: criteria provided, single submitter. Criteria: Invitae Variant Classification Sherloc (09022015). Collection method: clinical testing. Allele origin: germline.

Laboratory of Genetics, Children's Clinical University Hospital Latvia
Classification: Benign. Last evaluated: 2025-02-16. Review status: criteria provided, single submitter. Criteria: ACMG Guidelines, 2015. Collection method: clinical testing. Allele origin: germline. Affected: yes.